The following is an entry in ClinVar:

ClinVar aggregate classification (germline): Likely benign (1 of 4 stars; one submission).

Allele frequency attached by ClinVar (database versions not stated): 1000 Genomes Project 30x 0.00187; 1000 Genomes Project 0.00220; ESP Exome Variant Server 0.00354.
gnomAD v4.1: 8,212 of 1,612,852 alleles (0.51%); highest among the groups gnomAD compares: Non-Finnish European, 0.57%; 33 homozygotes.

Submission:

CeGaT Center for Human Genetics Tuebingen
Classification: Likely benign. Last evaluated: 2022-07-01. Review status: criteria provided, single submitter. Criteria: CeGaT Center For Human Genetics Tuebingen Variant Classification Criteria Version 2. Collection method: clinical testing. Allele origin: germline. Affected: yes. Observed: 1 variant allele.
Comment: TIAM2: BP4, BP7

NM_012454.4(TIAM2):c.2925G>C (p.Pro975=)

Gene: TIAM2 (TIAM Rac1 associated GEF 2; plus strand). Cytogenetic location: 6q25.2.
Variant type: single nucleotide variant.
Coding change: c.2925G>C on transcript NM_012454.4 (MANE Select); coding-DNA position 2925, G replaced by C.
Protein change: p.Pro975=; no amino-acid change (proline 975 retained).
Molecular consequence: synonymous variant.
Genome position (GRCh38, 1-based): chr6:155,183,361, G>C. VCF-style: chr6-155183361-G-C. GRCh37 (hg19) VCF-style: chr6-155504495-G-C.
Other names: c.2925G>C, p.Pro975= (NM_001384546.1, NM_001384547.1).
Identifiers: ClinVar variation 2657048 (VCV002657048.24), dbSNP rs145603552, ClinGen allele CA4064575.
Genomic context (GRCh38, chr6:155,183,361, plus strand): 5'-GCAGATGGAGGCCCTGTTTTCTGAGAAGAGCGTCGGACTCACTCTGATTGCCCGGCCTCC[G>C]GACACAAAAGCAACCCTGTGTACATCCTGGTCAGACAGTGACCTGTTCTCCAGGGACCAG-3'
Protein context (NP_036586.3, residues 965-985): SVGLTLIARP[Pro975=]DTKATLCTSW